The following is an entry in ClinVar:

NM_139278.4(LGI3):c.611A>G (p.Gln204Arg)

Gene: LGI3 (leucine rich repeat LGI family member 3; minus strand). Cytogenetic location: 8p21.3.
Variant type: single nucleotide variant.
Coding change: c.611A>G on transcript NM_139278.4 (MANE Select); coding-DNA position 611, A replaced by G.
Protein change: p.Gln204Arg; replaces glutamine 204 with arginine.
Molecular consequence: missense variant.
Genome position (GRCh38, 1-based): chr8:22,151,884, T>C on the plus strand (A>G on the coding strand, the complement: LGI3 is on the minus strand). VCF-style: chr8-22151884-T-C. GRCh37 (hg19) VCF-style: chr8-22009397-T-C.
Other names: short protein forms Q204R.
Identifiers: ClinVar variation 3052314 (VCV003052314.2), dbSNP rs199663838, ClinGen allele CA4663552.

ClinVar aggregate classification (germline): Benign (0 of 4 stars; one submission).

Conditions:
LGI3-related disorder. Also called: LGI3-related condition.

Allele frequency attached by ClinVar (database versions not stated): ESP Exome Variant Server 0.00008; gnomAD exomes 0.00008; TOPMed 0.00033; gnomAD 0.00038; ExAC 0.00050; 1000 Genomes Project 30x 0.00187; 1000 Genomes Project 0.00200.
gnomAD v4.1: 237 of 1,613,476 alleles (0.015%); highest among the groups gnomAD compares: East Asian, 0.35%; no homozygotes.

Submission:

PreventionGenetics, part of Exact Sciences
Classification: Benign for LGI3-related condition. Last evaluated: 2020-01-27. Review status: no assertion criteria provided. Collection method: clinical testing. Allele origin: germline.
Comment: This variant is classified as benign based on ACMG/AMP sequence variant interpretation guidelines (Richards et al. 2015 PMID: 25741868, with internal and published modifications).